The following is an entry in ClinVar:

NM_000051.4(ATM):c.1394G>C (p.Cys465Ser)

Gene: ATM (ATM serine/threonine kinase; plus strand). Cytogenetic location: 11q22.3.
Variant type: single nucleotide variant.
Coding change: c.1394G>C on transcript NM_000051.4 (MANE Select); coding-DNA position 1394, G replaced by C.
Protein change: p.Cys465Ser; replaces cysteine 465 with serine.
Molecular consequence: missense variant.
Genome position (GRCh38, 1-based): chr11:108,250,859, G>C. VCF-style: chr11-108250859-G-C. GRCh37 (hg19) VCF-style: chr11-108121586-G-C.
Other names: c.1394G>C, p.Cys465Ser (NM_001351834.2); short protein forms C465S.
Identifiers: ClinVar variation 481220 (VCV000481220.7), dbSNP rs1555070888, ClinGen allele CA382533907.

ClinVar aggregate classification (germline): Uncertain significance. Review status: criteria provided, single submitter (1 of 4 stars). 2 submissions from 2 submitters: Uncertain significance (1). 1 of the submissions does not count toward it. Last evaluated 2023-08-12.

Conditions:
Hereditary cancer-predisposing syndrome. Also called: Hereditary neoplastic syndrome; Neoplastic Syndromes, Hereditary; Tumor predisposition; Hereditary Cancer Syndrome. Identifiers: Orphanet 140162, MedGen C0027672, MeSH D009386, MONDO:0015356.
Ataxia-telangiectasia syndrome (AT). Also called: LOUIS-BAR SYNDROME; Cerebello-oculocutaneous telangiectasia; Immunodeficiency with ataxia telangiectasia; AT, COMPLEMENTATION GROUP C; Ataxia-telangiectasia, complementation group D; ATAXIA-TELANGIECTASIA, COMPLEMENTATION GROUP A. Identifiers: Orphanet 100, MedGen C0004135, MONDO:0008840, OMIM 208900.

Submissions (2):

Ambry Genetics
Classification: Uncertain significance for Hereditary cancer-predisposing syndrome. Last evaluated: 2023-08-12. Review status: criteria provided, single submitter. Criteria: Ambry Variant Classification Scheme 2023. Collection method: clinical testing. Allele origin: germline.
Comment: The p.C465S variant (also known as c.1394G>C), located in coding exon 9 of the ATM gene, results from a G to C substitution at nucleotide position 1394. The cysteine at codon 465 is replaced by serine, an amino acid with dissimilar properties. This amino acid position is highly conserved in available vertebrate species. In addition, this alteration is predicted to be deleterious by in silico analysis. Since supporting evidence is limited at this time, the clinical significance of this alteration remains unclear.

Natera, Inc.
Classification: Uncertain significance for Ataxia-telangiectasia. Last evaluated: 2021-08-04. Review status: no assertion criteria provided. Collection method: clinical testing. Allele origin: germline. Not counted in ClinVar's aggregate classification.